The following is an entry in ClinVar:

ClinVar aggregate classification (germline): Uncertain significance. Review status: criteria provided, multiple submitters, no conflicts (2 of 4 stars). 4 submissions from 4 submitters: Uncertain significance (4). Last evaluated 2026-05-01.

Conditions:
STK11-related disorder. Also called: STK11-related condition.
Hereditary cancer-predisposing syndrome. Also called: Neoplastic Syndromes, Hereditary; Hereditary Cancer Syndrome; Tumor predisposition; Hereditary neoplastic syndrome. Identifiers: Orphanet 140162, MedGen C0027672, MeSH D009386, MONDO:0015356.
Peutz-Jeghers syndrome (PJS). Also called: POLYPOSIS, HAMARTOMATOUS INTESTINAL; POLYPS-AND-SPOTS SYNDROME; Peutz-Jeghers polyposis; Periorificial lentiginosis syndrome. Identifiers: Orphanet 2869, MedGen C0031269, MeSH D010580, MONDO:0008280, OMIM 175200.

Submissions (4):

PreventionGenetics, part of Exact Sciences
Classification: Uncertain significance for STK11-related condition. Last evaluated: 2026-05-01. Review status: criteria provided, single submitter. Criteria: ACMG Guidelines, 2015. Collection method: clinical testing. Allele origin: germline.
Comment: The STK11 c.116G>A variant is predicted to result in the amino acid substitution p.Arg39His. To our knowledge, this variant has not been reported in the literature or in a large population database (gnomAD), indicating this variant is rare. This variant is interpreted as uncertain in ClinVar (Variation ID: 480722). At this time, the clinical significance of this variant is uncertain due to the absence of conclusive functional and genetic evidence.

Ambry Genetics
Classification: Uncertain significance for Hereditary cancer-predisposing syndrome. Last evaluated: 2025-10-30. Review status: criteria provided, single submitter. Criteria: Ambry Variant Classification Scheme 2023. Collection method: clinical testing. Allele origin: germline.
Comment: The p.R39H variant (also known as c.116G>A), located in coding exon 1 of the STK11 gene, results from a G to A substitution at nucleotide position 116. The arginine at codon 39 is replaced by histidine, an amino acid with highly similar properties. This amino acid position is highly conserved in available vertebrate species. In addition, the in silico prediction for this alteration is inconclusive. Based on the available evidence, the clinical significance of this variant remains unclear.

Labcorp Genetics (formerly Invitae), Labcorp
Classification: Uncertain significance for Peutz-Jeghers syndrome. Last evaluated: 2024-05-31. Review status: criteria provided, single submitter. Criteria: Invitae Variant Classification Sherloc (09022015). Collection method: clinical testing. Allele origin: germline.
Comment: This sequence change replaces arginine, which is basic and polar, with histidine, which is basic and polar, at codon 39 of the STK11 protein (p.Arg39His). This variant is not present in population databases (gnomAD no frequency). This variant has not been reported in the literature in individuals affected with STK11-related conditions. ClinVar contains an entry for this variant (Variation ID: 480722). Advanced modeling of protein sequence and biophysical properties (such as structural, functional, and spatial information, amino acid conservation, physicochemical variation, residue mobility, and thermodynamic stability) performed at Invitae indicates that this missense variant is not expected to disrupt STK11 protein function with a negative predictive value of 95%. In summary, the available evidence is currently insufficient to determine the role of this variant in disease. Therefore, it has been classified as a Variant of Uncertain Significance.

Genome-Nilou Lab
Classification: Uncertain significance for Peutz-Jeghers syndrome. Last evaluated: 2021-07-15. Review status: criteria provided, single submitter. Criteria: ACMG Guidelines, 2015. Collection method: clinical testing. Allele origin: germline. Affected: no.

NM_000455.5(STK11):c.116G>A (p.Arg39His)

Gene: STK11 (serine/threonine kinase 11; plus strand). Cytogenetic location: 19p13.3.
Variant type: single nucleotide variant.
Coding change: c.116G>A on transcript NM_000455.5 (MANE Select); coding-DNA position 116, G replaced by A.
Protein change: p.Arg39His; replaces arginine 39 with histidine.
Molecular consequence: missense variant.
Genome position (GRCh38, 1-based): chr19:1,207,029, G>A. VCF-style: chr19-1207029-G-A. GRCh37 (hg19) VCF-style: chr19-1207028-G-A.
Other names: short protein forms R39H.
Identifiers: ClinVar variation 480722 (VCV000480722.18), dbSNP rs786203250, ClinGen allele CA402943919.